The following is an entry in ClinVar:

NC_000019.10:g.48968927C>T

Genes: FTL (ferritin light chain; plus strand), GYS1 (glycogen synthase 1; minus strand). Cytogenetic location: 19q13.33.
Variant type: single nucleotide variant.
Molecular consequence: 3 prime UTR variant (on NM_002103.5). On other transcripts: non-coding transcript variant (1).
Genome position: GRCh38 VCF-style: chr19-48968927-C-T. GRCh37 (hg19) VCF-style: chr19-49472184-C-T.
Other names: c.*361G>A (NM_001161587.2, NM_002103.5).
Identifiers: ClinVar variation 3357118 (VCV003357118.1).

ClinVar aggregate classification (germline): Likely benign (0 of 4 stars; one submission).

Conditions:
FTL-related disorder. Also called: FTL-related condition.

Submission:

PreventionGenetics, part of Exact Sciences
Classification: Likely benign for FTL-related condition. Last evaluated: 2024-03-26. Review status: no assertion criteria provided. Collection method: clinical testing. Allele origin: germline.
Comment: This variant is classified as likely benign based on ACMG/AMP sequence variant interpretation guidelines (Richards et al. 2015 PMID: 25741868, with internal and published modifications).